The following is an entry in ClinVar:

NM_000038.6(APC):c.2424T>G (p.Asp808Glu)

Gene: APC (APC regulator of Wnt signaling pathway; plus strand). Cytogenetic location: 5q22.2.
Variant type: single nucleotide variant.
Coding change: c.2424T>G on transcript NM_000038.6 (MANE Select); coding-DNA position 2424, T replaced by G.
Protein change: p.Asp808Glu; replaces aspartic acid 808 with glutamic acid.
Molecular consequence: missense variant.
Genome position (GRCh38, 1-based): chr5:112,838,018, T>G. VCF-style: chr5-112838018-T-G. GRCh37 (hg19) VCF-style: chr5-112173715-T-G.
Other names: c.2424T>G, p.Asp808Glu (NM_001127510.3, NM_001354895.2); c.2370T>G, p.Asp790Glu (NM_001127511.3); c.2478T>G, p.Asp826Glu (NM_001354896.2); c.2454T>G, p.Asp818Glu (NM_001354897.2); c.2349T>G, p.Asp783Glu (NM_001354898.2); c.2340T>G, p.Asp780Glu (NM_001354899.2); c.2301T>G, p.Asp767Glu (NM_001354900.2); c.2247T>G, p.Asp749Glu (NM_001354901.2); and 5 more; short protein forms D808E, D790E, D648E, D682E, D749E, D767E, D717E, D826E.
Identifiers: ClinVar variation 628987 (VCV000628987.20), dbSNP rs1561577011, ClinGen allele CA16026657.

ClinVar aggregate classification (germline): Uncertain significance. Review status: criteria provided, multiple submitters, no conflicts (2 of 4 stars). 5 submissions from 5 submitters: Uncertain significance (5). Last evaluated 2024-08-10.

Conditions:
Hereditary cancer-predisposing syndrome. Also called: Neoplastic Syndromes, Hereditary; Tumor predisposition; Hereditary neoplastic syndrome; Hereditary Cancer Syndrome. Identifiers: Orphanet 140162, MedGen C0027672, MeSH D009386, MONDO:0015356.
Familial adenomatous polyposis 1 (FAP1). Also called: POLYPOSIS, ADENOMATOUS INTESTINAL; FAMILIAL ADENOMATOUS POLYPOSIS 1, ATTENUATED. Identifiers: MedGen C2713442, MONDO:0021056, OMIM 175100. Disease mechanism: loss of function.

Submissions (5):

Ambry Genetics
Classification: Uncertain significance for Hereditary cancer-predisposing syndrome. Last evaluated: 2024-08-10. Review status: criteria provided, single submitter. Criteria: Ambry Variant Classification Scheme 2023. Collection method: clinical testing. Allele origin: germline.
Comment: The p.D808E variant (also known as c.2424T>G), located in coding exon 15 of the APC gene, results from a T to G substitution at nucleotide position 2424. The aspartic acid at codon 808 is replaced by glutamic acid, an amino acid with highly similar properties. This amino acid position is well conserved in available vertebrate species. In addition, in silico predictors for this gene do not accurately predict pathogenicity. Since supporting evidence is limited at this time, the clinical significance of this alteration remains unclear.

Quest Diagnostics Nichols Institute San Juan Capistrano
Classification: Uncertain significance. Last evaluated: 2024-07-10. Review status: criteria provided, single submitter. Criteria: Quest Diagnostics criteria. Collection method: clinical testing. Allele origin: unknown.
Comment: The APC c.2424T>G (p.Asp808Glu) variant has not been reported in individuals with APC-related conditions in the published literature. It also has not been reported in large, multi-ethnic general populations (Genome Aggregation Database). Analysis of this variant using bioinformatics tools for the prediction of the effect of amino acid changes on protein structure and function yielded predictions that this variant is benign. Based on the available information, we are unable to determine the clinical significance of this variant.

Color Diagnostics, LLC DBA Color Health
Classification: Uncertain significance for Hereditary cancer-predisposing syndrome. Last evaluated: 2023-12-04. Review status: criteria provided, single submitter. Criteria: ACMG Guidelines, 2015. Collection method: clinical testing. Allele origin: germline.
Comment: This missense variant replaces aspartic acid with glutamic acid at codon 808 of the APC protein. Computational prediction suggests that this variant may not impact protein structure and function (internally defined REVEL score threshold <= 0.5, PMID: 27666373). To our knowledge, functional studies have not been reported for this variant. This variant has not been reported in individuals affected with APC-related disorders in the literature. This variant has not been identified in the general population by the Genome Aggregation Database (gnomAD). The available evidence is insufficient to determine the role of this variant in disease conclusively. Therefore, this variant is classified as a Variant of Uncertain Significance.

Labcorp Genetics (formerly Invitae), Labcorp
Classification: Uncertain significance for Familial adenomatous polyposis 1. Last evaluated: 2023-10-23. Review status: criteria provided, single submitter. Criteria: Invitae Variant Classification Sherloc (09022015). Collection method: clinical testing. Allele origin: germline.
Comment: This sequence change replaces aspartic acid, which is acidic and polar, with glutamic acid, which is acidic and polar, at codon 808 of the APC protein (p.Asp808Glu). This variant is not present in population databases (gnomAD no frequency). This variant has not been reported in the literature in individuals affected with APC-related conditions. ClinVar contains an entry for this variant (Variation ID: 628987). Advanced modeling of protein sequence and biophysical properties (such as structural, functional, and spatial information, amino acid conservation, physicochemical variation, residue mobility, and thermodynamic stability) performed at Invitae indicates that this missense variant is not expected to disrupt APC protein function. In summary, the available evidence is currently insufficient to determine the role of this variant in disease. Therefore, it has been classified as a Variant of Uncertain Significance.

Baylor Genetics
Classification: Uncertain significance for Familial adenomatous polyposis 1. Last evaluated: 2023-10-05. Review status: criteria provided, single submitter. Criteria: ACMG Guidelines, 2015. Collection method: clinical testing. Allele origin: unknown.